The following is an entry in ClinVar:

ClinVar aggregate classification (germline): Likely benign. Review status: criteria provided, single submitter (1 of 4 stars). 2 submissions from 2 submitters: Likely benign (1). 1 of the submissions does not count toward it. Last evaluated 2026-08-31.

Conditions:
TNC-related disorder. Also called: TNC-related condition.

Allele frequency attached by ClinVar (database versions not stated): TOPMed 0.00003.
gnomAD v4.1: 259 of 1,614,162 alleles (0.016%); highest among the groups gnomAD compares: South Asian, 0.2%; 2 homozygotes.

Submissions (2):

PreventionGenetics, part of Exact Sciences
Classification: Likely benign for TNC-related condition. Last evaluated: 2026-08-31. Review status: criteria provided, single submitter. Criteria: ACMG Guidelines, 2015. Collection method: clinical testing. Allele origin: germline.
Comment: This variant is classified as likely benign based on ACMG/AMP sequence variant interpretation guidelines (Richards et al. 2015 PMID: 25741868, with internal and published modifications).

Department of Pathology and Laboratory Medicine, Sinai Health System
Classification: Uncertain significance. Review status: no assertion criteria provided. Collection method: clinical testing. Allele origin: unknown. Affected: yes. Study: The Canadian Open Genetics Repository (COGR). Not counted in ClinVar's aggregate classification.
Comment: The TNC p.Arg497Trp variant was not identified in the literature nor was it identified in ClinVar or LOVD 3.0. The variant was identified in dbSNP (ID: rs534887266) and Cosmic (variant is listed with FATTHM prediction- Neutral score (0.34)). The variant was also identified in control databases in 74 of 251206 chromosomes (1 homozygous) at a frequency of 0.000295 (Genome Aggregation Database Feb 27, 2017) and was observed in the following populations: South Asian in 67 of 30610 chromosomes (freq: 0.002189), Other in 1 of 6132 chromosomes (freq: 0.000163), European (non-Finnish) in 5 of 113572 chromosomes (freq: 0.000044) and Latino in 1 of 34576 chromosomes (freq: 0.000029); it was not observed in the African, Ashkenazi Jewish, East Asian, and European (Finnish) populations. The p.Arg497 residue is conserved in mammals but not in more distantly related organisms, and four out of five computational analyses (PolyPhen-2, SIFT, BLOSUM, MutationTaster) suggest that the variant may impact the protein; however, this information is not predictive enough to assume pathogenicity. The variant occurs outside of the splicing consensus sequence and in silico or computational prediction software programs (SpliceSiteFinder, MaxEntScan, NNSPLICE, GeneSplicer) do not predict a difference in splicing. In summary, based on the above information the clinical significance of this variant cannot be determined with certainty at this time. This variant is classified as a variant of uncertain significance.

NM_002160.4(TNC):c.1489C>T (p.Arg497Trp)

Gene: TNC (tenascin C; minus strand). Cytogenetic location: 9q33.1.
Variant type: single nucleotide variant.
Coding change: c.1489C>T on transcript NM_002160.4 (MANE Select); coding-DNA position 1489, C replaced by T.
Protein change: p.Arg497Trp; replaces arginine 497 with tryptophan.
Molecular consequence: missense variant.
Genome position (GRCh38, 1-based): chr9:115,086,242, G>A on the plus strand (C>T on the coding strand, the complement: TNC is on the minus strand). VCF-style: chr9-115086242-G-A. GRCh37 (hg19) VCF-style: chr9-117848521-G-A.
Other names: c.1489C>T (NM_002160.3); short protein forms R497W.
Identifiers: ClinVar variation 1049557 (VCV001049557.2), dbSNP rs534887266, ClinGen allele CA5208805.